The following is an entry in ClinVar:

NM_182699.4(DDX53):c.977G>A (p.Ser326Asn)

Genes: DDX53 (DEAD-box helicase 53; plus strand), PTCHD1-AS (PTCHD1 and PHEX antisense RNA; minus strand). Cytogenetic location: Xp22.11.
Variant type: single nucleotide variant.
Coding change: c.977G>A on transcript NM_182699.4 (MANE Select); coding-DNA position 977, G replaced by A.
Protein change: p.Ser326Asn; replaces serine 326 with asparagine.
Molecular consequence: missense variant.
Genome position (GRCh38, 1-based): chrX:23,001,034, G>A. VCF-style: chrX-23001034-G-A. GRCh37 (hg19) VCF-style: chrX-23019151-G-A.
Other names: short protein forms S326N.
Identifiers: ClinVar variation 4074370 (VCV004074370.1).
Genomic context (GRCh38, chrX:23,001,034, plus strand): 5'-GAGAGTTGGCTCTTCACGTGGAAGCTGAATGTTCAAAGTATTCATATAAAGGTCTCAAAA[G>A]CATTTGCATATATGGTGGTAGAAACAGAAATGGACAAATAGAAGACATTAGCAAAGGTGT-3'
Protein context (NP_874358.2, residues 316-336): CSKYSYKGLK[Ser326Asn]ICIYGGRNRN

ClinVar aggregate classification (germline): Likely pathogenic (1 of 4 stars; one submission).

Submission:

GeneDx
Classification: Likely pathogenic. Last evaluated: 2025-02-11. Review status: criteria provided, single submitter. Criteria: GeneDx Variant Classification Process June 2021. Collection method: clinical testing. Allele origin: germline. Affected: yes.
Comment: Not observed at significant frequency in large population cohorts (gnomAD); In silico analysis supports that this missense variant has a deleterious effect on protein structure/function; This variant is associated with the following publications: (PMID: 39706195, 38234782)